The following is an entry in ClinVar:

ClinVar aggregate classification (germline): Uncertain significance (1 of 4 stars; one submission).

Submission:

Labcorp Genetics (formerly Invitae), Labcorp
Classification: Uncertain significance. Last evaluated: 2025-03-17. Review status: criteria provided, single submitter. Criteria: Invitae Variant Classification Sherloc (09022015). Collection method: clinical testing. Allele origin: germline.
Comment: This sequence change replaces aspartic acid, which is acidic and polar, with tyrosine, which is neutral and polar, at codon 1357 of the EYS protein (p.Asp1357Tyr). This variant is not present in population databases (gnomAD no frequency). This variant has not been reported in the literature in individuals affected with EYS-related conditions. ClinVar contains an entry for this variant (Variation ID: 1995697). Invitae Evidence Modeling of protein sequence and biophysical properties (such as structural, functional, and spatial information, amino acid conservation, physicochemical variation, residue mobility, and thermodynamic stability) indicates that this missense variant is not expected to disrupt EYS protein function with a negative predictive value of 80%. In summary, the available evidence is currently insufficient to determine the role of this variant in disease. Therefore, it has been classified as a Variant of Uncertain Significance.

NM_001142800.2(EYS):c.4069G>T (p.Asp1357Tyr)

Gene: EYS (EGF-like photoreceptor maintenance factor; minus strand). Cytogenetic location: 6q12.
Variant type: single nucleotide variant.
Coding change: c.4069G>T on transcript NM_001142800.2 (MANE Select); coding-DNA position 4069, G replaced by T.
Protein change: p.Asp1357Tyr; replaces aspartic acid 1357 with tyrosine.
Molecular consequence: missense variant.
Genome position (GRCh38, 1-based): chr6:64,591,798, C>A on the plus strand (G>T on the coding strand, the complement: EYS is on the minus strand). VCF-style: chr6-64591798-C-A. GRCh37 (hg19) VCF-style: chr6-65301691-C-A.
Other names: c.4069G>T, p.Asp1357Tyr (NM_001292009.2); short protein forms D1357Y.
Identifiers: ClinVar variation 1995697 (VCV001995697.4), dbSNP rs1384521248, ClinGen allele CA364784111.